The following is an entry in ClinVar:

ClinVar aggregate classification (germline): Likely benign (0 of 4 stars; one submission).

Conditions:
PKD1-related disorder. Also called: PKD1-related condition.

Submission:

PreventionGenetics, part of Exact Sciences
Classification: Likely benign for PKD1-related condition. Last evaluated: 2022-04-24. Review status: no assertion criteria provided. Collection method: clinical testing. Allele origin: germline.
Comment: This variant is classified as likely benign based on ACMG/AMP sequence variant interpretation guidelines (Richards et al. 2015 PMID: 25741868, with internal and published modifications).

NM_001009944.3(PKD1):c.11139C>T (p.Ala3713=)

Genes: PKD1 (polycystin 1, transient receptor potential channel interacting; minus strand), PKD1-AS1 (PKD1 antisense RNA 1; plus strand). Cytogenetic location: 16p13.3.
Variant type: single nucleotide variant.
Coding change: c.11139C>T on transcript NM_001009944.3 (MANE Select); coding-DNA position 11139, C replaced by T.
Protein change: p.Ala3713=; no amino-acid change (alanine 3713 retained).
Molecular consequence: synonymous variant. On other transcripts: non-coding transcript variant (1).
Genome position (GRCh38, 1-based): chr16:2,092,971, G>A on the plus strand (C>T on the coding strand, the complement: PKD1 is on the minus strand). VCF-style: chr16-2092971-G-A. GRCh37 (hg19) VCF-style: chr16-2142972-G-A.
Other names: c.11136C>T, p.Ala3712= (NM_000296.4).
Identifiers: ClinVar variation 3046984 (VCV003046984.2), dbSNP rs2544638074, ClinGen allele CA492962768.